The following is an entry in ClinVar:

ClinVar aggregate classification (germline): Pathogenic (1 of 4 stars; one submission).

Conditions:
Ellis-van Creveld syndrome (EVC). Also called: EVC2-Related Ellis-van Creveld Syndrome; EVC-Related Ellis-van Creveld Syndrome; Chondroectodermal dysplasia; MESOECTODERMAL DYSPLASIA. Identifiers: Orphanet 289, MedGen C0013903, MONDO:0009162, OMIM 225500.
Curry-Hall syndrome (WAD). Also called: WEYERS ACRODENTAL DYSOSTOSIS. Identifiers: Orphanet 952, MedGen C0457013, MONDO:0008673, OMIM 193530.

Allele frequency attached by ClinVar (database versions not stated): gnomAD 0.00001; TOPMed 0.00001.
gnomAD v4.1: 1 of 1,613,862 alleles (0.000062%); highest among the groups gnomAD compares: African/African-American, 0.0013%; no homozygotes.

Submission:

Labcorp Genetics (formerly Invitae), Labcorp
Classification: Pathogenic for Curry-Hall syndrome; Ellis-van Creveld syndrome. Last evaluated: 2024-03-17. Review status: criteria provided, single submitter. Criteria: Invitae Variant Classification Sherloc (09022015). Collection method: clinical testing. Allele origin: germline.
Comment: This sequence change creates a premature translational stop signal (p.Gln800*) in the EVC2 gene. It is expected to result in an absent or disrupted protein product. Loss-of-function variants in EVC2 are known to be pathogenic (PMID: 17024374, 19810119, 19876929). This variant is not present in population databases (gnomAD no frequency). This variant has not been reported in the literature in individuals affected with EVC2-related conditions. ClinVar contains an entry for this variant (Variation ID: 855091). For these reasons, this variant has been classified as Pathogenic.

Literature cited by the submitters: PubMed 17024374; PubMed 19810119; PubMed 19876929.

NM_147127.5(EVC2):c.2398C>T (p.Gln800Ter)

Gene: EVC2 (EvC ciliary complex subunit 2; minus strand). Cytogenetic location: 4p16.2.
Variant type: single nucleotide variant.
Coding change: c.2398C>T on transcript NM_147127.5 (MANE Select); coding-DNA position 2398, C replaced by T.
Protein change: p.Gln800Ter; replaces glutamine 800 with a stop codon.
Molecular consequence: nonsense.
Genome position (GRCh38, 1-based): chr4:5,622,640, G>A on the plus strand (C>T on the coding strand, the complement: EVC2 is on the minus strand). VCF-style: chr4-5622640-G-A. GRCh37 (hg19) VCF-style: chr4-5624367-G-A.
Other names: c.2158C>T, p.Gln720Ter (NM_001166136.2); short protein forms Q720*, Q800*.
Identifiers: ClinVar variation 855091 (VCV000855091.8), dbSNP rs1282621867, ClinGen allele CA356144522.
Genomic context (GRCh38, chr4:5,622,640, plus strand): 5'-CTGTCACGGCCTCAGGAGCGTCATCCTTCAGTCTCTGCCTCACGCTCTGGACACCCTCCT[G>A]GTCCCTGTCCCTCTCCTCCCCCTCCAGCTGCTCGGCCCGTGCAGCCATCTCCTTGCCGTG-3'